The following is an entry in ClinVar:

ClinVar aggregate classification (germline): Benign. Review status: criteria provided, multiple submitters, no conflicts (2 of 4 stars). 3 submissions from 3 submitters: Benign (3). Last evaluated 2026-02-03.

Allele frequency attached by ClinVar (database versions not stated): 1000 Genomes Project 0.06430; 1000 Genomes Project 30x 0.06449; gnomAD exomes 0.10236 and 0.09846; gnomAD 0.08528 and 0.08637; TOPMed 0.08763; ExAC 0.10842; ESP Exome Variant Server 0.08314.
gnomAD v4.1: 146,267 of 1,504,254 alleles (9.7%); highest among the groups gnomAD compares: Middle Eastern, 15%; 7,792 homozygotes.

Submissions (3):

Labcorp Genetics (formerly Invitae), Labcorp
Classification: Benign. Last evaluated: 2026-02-03. Review status: criteria provided, single submitter. Criteria: Invitae Variant Classification Sherloc (09022015). Collection method: clinical testing. Allele origin: germline.

GeneDx
Classification: Benign. Last evaluated: 2018-08-30. Review status: criteria provided, single submitter. Criteria: GeneDx Variant Classification Process June 2021. Collection method: clinical testing. Allele origin: germline. Affected: yes.
Comment: This variant is associated with the following publications: (PMID: 21531995, 27651445, 12519372, 25993026, 19158204, 10397692)

Breakthrough Genomics
Classification: Benign. Review status: criteria provided, single submitter. Criteria: ACMG Guidelines, 2015. Collection method: not provided. Allele origin: germline. Inheritance: Unknown mechanism. Affected: yes.

NM_005505.5(SCARB1):c.4G>A (p.Gly2Ser)

Genes: SCARB1 (scavenger receptor class B member 1; minus strand), LOC130009157 (ATAC-STARR-seq lymphoblastoid silent region 5067; plus strand). Cytogenetic location: 12q24.31.
Variant type: single nucleotide variant.
Coding change: c.4G>A on transcript NM_005505.5 (MANE Select); coding-DNA position 4, G replaced by A.
Protein change: p.Gly2Ser; replaces glycine 2 with serine.
Molecular consequence: missense variant. On other transcripts: non-coding transcript variant (9).
Genome position (GRCh38, 1-based): chr12:124,863,717, C>T on the plus strand (G>A on the coding strand, the complement: SCARB1 is on the minus strand). VCF-style: chr12-124863717-C-T. GRCh37 (hg19) VCF-style: chr12-125348263-C-T.
Other names: c.4G>A, p.Gly2Ser (NM_001082959.2, NM_001367981.1, NM_001367983.1 and 6 more transcripts); short protein forms G2S.
Identifiers: ClinVar variation 1264359 (VCV001264359.11), dbSNP rs4238001, ClinGen allele CA6870734.